The following is an entry in ClinVar:

NM_000540.3(RYR1):c.10357C>T (p.Arg3453Cys)

Gene: RYR1 (ryanodine receptor 1; plus strand). Cytogenetic location: 19q13.2.
Variant type: single nucleotide variant.
Coding change: c.10357C>T on transcript NM_000540.3 (MANE Select); coding-DNA position 10357, C replaced by T.
Protein change: p.Arg3453Cys; replaces arginine 3453 with cysteine.
Molecular consequence: missense variant.
Genome position (GRCh38, 1-based): chr19:38,523,226, C>T. VCF-style: chr19-38523226-C-T. GRCh37 (hg19) VCF-style: chr19-39013866-C-T.
Other names: c.10357C>T, p.Arg3453Cys (NM_001042723.2); short protein forms R3453C.
Identifiers: ClinVar variation 2150322 (VCV002150322.6), dbSNP rs1482429489, ClinGen allele CA405699368.

ClinVar aggregate classification (germline): Uncertain significance. Review status: criteria provided, multiple submitters, no conflicts (2 of 4 stars). 3 submissions from 3 submitters: Uncertain significance (3). Last evaluated 2025-11-28.

Conditions:
Malignant hyperthermia, susceptibility to, 1 (MHS1). Also called: Anesthesia related hyperthermia; Malignant hyperpyrexia; Fulminating hyperpyrexia; Pharmacogenic myopathy; RYR1-Related Malignant Hyperthermia Susceptibility; Malignant hyperthermia suceptibility 1. Identifiers: Orphanet 423, MedGen C2930980, MONDO:0007783, OMIM 145600.
RYR1-related disorder. Also called: RYR1-related disorders; RYR1-related condition. Identifiers: MedGen CN239331.

Allele frequency attached by ClinVar (database versions not stated): TOPMed 0.00001; gnomAD 0.00002.
gnomAD v4.1: 10 of 1,614,106 alleles (0.00062%); highest among the groups gnomAD compares: African/African-American, 0.0067%; no homozygotes.

Submissions (3):

Labcorp Genetics (formerly Invitae), Labcorp
Classification: Uncertain significance for RYR1-related disorder. Last evaluated: 2025-11-28. Review status: criteria provided, single submitter. Criteria: Invitae Variant Classification Sherloc (09022015). Collection method: clinical testing. Allele origin: germline.
Comment: This sequence change replaces arginine, which is basic and polar, with cysteine, which is neutral and slightly polar, at codon 3453 of the RYR1 protein (p.Arg3453Cys). This variant is present in population databases (no rsID available, gnomAD 0.01%). This variant has not been reported in the literature in individuals affected with RYR1-related conditions. ClinVar contains an entry for this variant (Variation ID: 2150322). Invitae Evidence Modeling of protein sequence and biophysical properties (such as structural, functional, and spatial information, amino acid conservation, physicochemical variation, residue mobility, and thermodynamic stability) indicates that this missense variant is not expected to disrupt RYR1 protein function with a negative predictive value of 80%. In summary, the available evidence is currently insufficient to determine the role of this variant in disease. Therefore, it has been classified as a Variant of Uncertain Significance.

Color Diagnostics, LLC DBA Color Health
Classification: Uncertain significance for Malignant hyperthermia, susceptibility to, 1. Last evaluated: 2025-09-09. Review status: criteria provided, single submitter. Criteria: ACMG Guidelines, 2015. Collection method: clinical testing. Allele origin: germline.
Comment: This missense variant replaces arginine with cysteine at codon 3453 of the RYR1 protein. Computational prediction suggests that this variant may have deleterious impact on protein structure and function. To our knowledge, functional studies have not been reported for this variant. This variant has been reported in at least one individual affected with malignant hyperthermia susceptibility (PMID: 30916033). This variant has been identified in 1/31402 chromosomes in the general population by the Genome Aggregation Database (gnomAD). The available evidence is insufficient to determine the role of this variant in disease conclusively. Therefore, this variant is classified as a Variant of Uncertain Significance.

Revvity Omics, Revvity
Classification: Uncertain significance. Last evaluated: 2021-06-13. Review status: criteria provided, single submitter. Criteria: ACMG Guidelines, 2015. Collection method: clinical testing. Allele origin: germline.

Literature cited by the submitters: PubMed 30916033 (cited by Color Diagnostics, LLC DBA Color Health).